The following is an entry in ClinVar:

ClinVar aggregate classification (germline): Uncertain significance. Review status: criteria provided, multiple submitters, no conflicts (2 of 4 stars). 2 submissions from 2 submitters: Uncertain significance (2). Last evaluated 2026-01-01.

Conditions:
Cardiomyopathy (CMYO). Also called: Cardiomyopathies. Identifiers: Orphanet 167848, MedGen C0878544, MONDO:0004994, HP:0001638. Inheritance: Various modes of inheritance.
Catecholaminergic polymorphic ventricular tachycardia 1. Also called: RYR2-Related Catecholaminergic Polymorphic Ventricular Tachycardia; VENTRICULAR TACHYCARDIA, CATECHOLAMINERGIC POLYMORPHIC, 1, WITH OR WITHOUT ATRIAL DYSFUNCTION AND/OR DILATED CARDIOMYOPATHY; VENTRICULAR TACHYCARDIA, STRESS-INDUCED POLYMORPHIC 1. Identifiers: Orphanet 3286, MedGen C1631597, MONDO:0011484, OMIM 604772.

Submissions (2):

Labcorp Genetics (formerly Invitae), Labcorp
Classification: Uncertain significance for Catecholaminergic polymorphic ventricular tachycardia 1. Last evaluated: 2026-01-01. Review status: criteria provided, single submitter. Criteria: Invitae Variant Classification Sherloc (09022015). Collection method: clinical testing. Allele origin: germline.
Comment: This sequence change replaces isoleucine, which is neutral and non-polar, with threonine, which is neutral and polar, at codon 2445 of the RYR2 protein (p.Ile2445Thr). This variant is not present in population databases (gnomAD no frequency). This variant has not been reported in the literature in individuals affected with RYR2-related conditions. Invitae Evidence Modeling of protein sequence and biophysical properties (such as structural, functional, and spatial information, amino acid conservation, physicochemical variation, residue mobility, and thermodynamic stability) indicates that this missense variant is not expected to disrupt RYR2 protein function with a negative predictive value of 95%. In summary, the available evidence is currently insufficient to determine the role of this variant in disease. Therefore, it has been classified as a Variant of Uncertain Significance.

Color Diagnostics, LLC DBA Color Health
Classification: Uncertain significance for Cardiomyopathy. Last evaluated: 2025-07-20. Review status: criteria provided, single submitter. Criteria: ACMG Guidelines, 2015. Collection method: clinical testing. Allele origin: germline.
Comment: This missense variant replaces isoleucine with threonine at codon 2445 of the RYR2 protein. Computational prediction suggests that this variant may not impact protein structure and function. To our knowledge, functional studies have not been reported for this variant. This variant has not been reported in individuals affected with RYR2-related disorders in the literature. This variant has not been identified in the general population by the Genome Aggregation Database (gnomAD). The available evidence is insufficient to determine the role of this variant in disease conclusively. Therefore, this variant is classified as a Variant of Uncertain Significance.

NM_001035.3(RYR2):c.7334T>C (p.Ile2445Thr)

Gene: RYR2 (ryanodine receptor 2; plus strand). Cytogenetic location: 1q43.
Variant type: single nucleotide variant.
Coding change: c.7334T>C on transcript NM_001035.3 (MANE Select); coding-DNA position 7334, T replaced by C.
Protein change: p.Ile2445Thr; replaces isoleucine 2445 with threonine.
Molecular consequence: missense variant.
Genome position (GRCh38, 1-based): chr1:237,643,439, T>C. VCF-style: chr1-237643439-T-C. GRCh37 (hg19) VCF-style: chr1-237806739-T-C.
Other names: short protein forms I2445T.
Identifiers: ClinVar variation 4705105 (VCV004705105.1).